The following is an entry in ClinVar:

NM_012463.4(ATP6V0A2):c.1249C>T (p.His417Tyr)

Gene: ATP6V0A2 (ATPase H+ transporting V0 subunit a2; plus strand). Cytogenetic location: 12q24.31.
Variant type: single nucleotide variant.
Coding change: c.1249C>T on transcript NM_012463.4 (MANE Select); coding-DNA position 1249, C replaced by T.
Protein change: p.His417Tyr; replaces histidine 417 with tyrosine.
Molecular consequence: missense variant.
Genome position (GRCh38, 1-based): chr12:123,744,260, C>T. VCF-style: chr12-123744260-C-T. GRCh37 (hg19) VCF-style: chr12-124228807-C-T.
Other names: short protein forms H417Y.
Identifiers: ClinVar variation 1344957 (VCV001344957.2), dbSNP rs2135909683, ClinGen allele CA387156544.

ClinVar aggregate classification (germline): Likely pathogenic (1 of 4 stars; one submission).

Submission:

GeneDx
Classification: Likely pathogenic. Last evaluated: 2021-10-07. Review status: criteria provided, single submitter. Criteria: GeneDx Variant Classification Process June 2021. Collection method: clinical testing. Allele origin: germline. Affected: yes.
Comment: Not observed at significant frequency in large population cohorts (gnomAD); In silico analysis supports that this missense variant has a deleterious effect on protein structure/function; This variant is associated with the following publications: (PMID: 30653653)